The following is an entry in ClinVar:

ClinVar aggregate classification (germline): Uncertain significance. Review status: criteria provided, multiple submitters, no conflicts (2 of 4 stars). 2 submissions from 2 submitters: Uncertain significance (2). Last evaluated 2025-10-18.

Conditions:
Hereditary cancer-predisposing syndrome. Also called: Hereditary Cancer Syndrome; Tumor predisposition; Hereditary neoplastic syndrome; Neoplastic Syndromes, Hereditary. Identifiers: Orphanet 140162, MedGen C0027672, MeSH D009386, MONDO:0015356.

Allele frequency attached by ClinVar (database versions not stated): gnomAD exomes below 0.00001; TOPMed below 0.00001.
gnomAD v4.1: 1 of 1,614,192 alleles (0.000062%); highest among the groups gnomAD compares: East Asian, 0.0022%; no homozygotes.

Submissions (2):

Labcorp Genetics (formerly Invitae), Labcorp
Classification: Uncertain significance. Last evaluated: 2025-10-18. Review status: criteria provided, single submitter. Criteria: Invitae Variant Classification Sherloc (09022015). Collection method: clinical testing. Allele origin: germline.
Comment: This sequence change replaces lysine, which is basic and polar, with glutamine, which is neutral and polar, at codon 219 of the MSH3 protein (p.Lys219Gln). This variant is present in population databases (no rsID available, gnomAD 0.006%). This variant has not been reported in the literature in individuals affected with MSH3-related conditions. ClinVar contains an entry for this variant (Variation ID: 1046559). An algorithm developed to predict the effect of missense changes on protein structure and function (PolyPhen-2) suggests that this variant is likely to be disruptive. In summary, the available evidence is currently insufficient to determine the role of this variant in disease. Therefore, it has been classified as a Variant of Uncertain Significance.

Ambry Genetics
Classification: Uncertain significance for Hereditary cancer-predisposing syndrome. Last evaluated: 2024-08-21. Review status: criteria provided, single submitter. Criteria: Ambry Variant Classification Scheme 2023. Collection method: clinical testing. Allele origin: germline.
Comment: The p.K219Q variant (also known as c.655A>C), located in coding exon 4 of the MSH3 gene, results from an A to C substitution at nucleotide position 655. The lysine at codon 219 is replaced by glutamine, an amino acid with similar properties. This amino acid position is highly conserved in available vertebrate species. In addition, the in silico prediction for this alteration is inconclusive. Since supporting evidence is limited at this time, the clinical significance of this alteration remains unclear.

NM_002439.5(MSH3):c.655A>C (p.Lys219Gln)

Gene: MSH3 (mutS homolog 3; plus strand). Cytogenetic location: 5q14.1.
Variant type: single nucleotide variant.
Coding change: c.655A>C on transcript NM_002439.5 (MANE Select); coding-DNA position 655, A replaced by C.
Protein change: p.Lys219Gln; replaces lysine 219 with glutamine.
Molecular consequence: missense variant.
Genome position (GRCh38, 1-based): chr5:80,670,172, A>C. VCF-style: chr5-80670172-A-C. GRCh37 (hg19) VCF-style: chr5-79965991-A-C.
Other names: short protein forms K219Q.
Identifiers: ClinVar variation 1046559 (VCV001046559.12), dbSNP rs1473248894, ClinGen allele CA360266646.
Genomic context (GRCh38, chr5:80,670,172, plus strand): 5'-GATCTCAGTCAGTTTGGATCATCAAATACAAGTCATGAAAATTTACAGAAAACTGCTTCC[A>C]AATCAGCTAACAAACGGTCCAAAAGCATCTATACGCCGCTAGAATTACAATACATAGAAA-3'
Protein context (NP_002430.3, residues 209-229): SHENLQKTAS[Lys219Gln]SANKRSKSIY